The following is an entry in ClinVar:

NM_000092.5(COL4A4):c.931-2A>C

Gene: COL4A4 (collagen type IV alpha 4 chain; minus strand). Cytogenetic location: 2q36.3.
Variant type: single nucleotide variant.
Coding change: c.931-2A>C on transcript NM_000092.5 (MANE Select); the canonical splice acceptor site of the intron before coding-DNA position 931, A replaced by C.
Molecular consequence: splice acceptor variant.
Genome position (GRCh38, 1-based): chr2:227,101,911, T>G on the plus strand (A>C on the coding strand, the complement: COL4A4 is on the minus strand). VCF-style: chr2-227101911-T-G. GRCh37 (hg19) VCF-style: chr2-227966627-T-G.
Identifiers: ClinVar variation 4884712 (VCV004884712.1).

ClinVar aggregate classification (germline): Pathogenic (1 of 4 stars; one submission).

Conditions:
Autosomal dominant Alport syndrome (ATS3A). Also called: Alport syndrome dominant type; Renal failure and sensorineural hearing loss; ALPORT SYNDROME 3A, AUTOSOMAL DOMINANT. Identifiers: Orphanet 63, Orphanet 88918, MedGen C5882663, MONDO:0007086, OMIM 104200.

Submission:

Centre de Génétique Humaine, Institut de Pathologie Et de Génétique
Classification: Pathogenic for Autosomal dominant Alport syndrome. Last evaluated: 2026-06-03. Review status: criteria provided, single submitter. Criteria: ACMG Guidelines, 2015. Collection method: clinical testing. Allele origin: germline. Inheritance: Autosomal dominant inheritance. Affected: yes. Observed: 1 variant allele, 1 heterozygote. Segregation with disease not observed.
Comment: Variant located in the canonical acceptor splice site of intron 15 (PVS1). This variant is rare: absent in gnomAD v4.1.0 database (PM2). Another variant affecting the same nucleotide described as pathogenic: 931-2A>G, PMID: 27859054; PMID: 36938085 (PM5)